The following is an entry in ClinVar:

ClinVar aggregate classification (germline): Uncertain significance (1 of 4 stars; one submission).

Conditions:
EGFR-related lung cancer (EGFR). Identifiers: MedGen CN130014.

Submission:

Labcorp Genetics (formerly Invitae), Labcorp
Classification: Uncertain significance for EGFR-related lung cancer. Last evaluated: 2023-03-18. Review status: criteria provided, single submitter. Criteria: Invitae Variant Classification Sherloc (09022015). Collection method: clinical testing. Allele origin: germline.
Comment: In summary, the available evidence is currently insufficient to determine the role of this variant in disease. Therefore, it has been classified as a Variant of Uncertain Significance. Advanced modeling of protein sequence and biophysical properties (such as structural, functional, and spatial information, amino acid conservation, physicochemical variation, residue mobility, and thermodynamic stability) has been performed at Invitae for this missense variant, however the output from this modeling did not meet the statistical confidence thresholds required to predict the impact of this variant on EGFR protein function. This variant has not been reported in the literature in individuals affected with EGFR-related conditions. This variant is not present in population databases (gnomAD no frequency). This sequence change replaces glycine, which is neutral and non-polar, with arginine, which is basic and polar, at codon 242 of the EGFR protein (p.Gly242Arg).

NM_005228.5(EGFR):c.724G>C (p.Gly242Arg)

Gene: EGFR (epidermal growth factor receptor; plus strand). Cytogenetic location: 7p11.2.
Variant type: single nucleotide variant.
Coding change: c.724G>C on transcript NM_005228.5 (MANE Select); coding-DNA position 724, G replaced by C.
Protein change: p.Gly242Arg; replaces glycine 242 with arginine.
Molecular consequence: missense variant. On other transcripts: intron variant (1).
Genome position (GRCh38, 1-based): chr7:55,152,641, G>C. VCF-style: chr7-55152641-G-C. GRCh37 (hg19) VCF-style: chr7-55220334-G-C.
Other names: c.589G>C, p.Gly197Arg (NM_001346897.2, NM_001346899.2); c.724G>C, p.Gly242Arg (NM_001346898.2, NM_201282.2, NM_201283.2 and 1 more transcripts); c.565G>C, p.Gly189Arg (NM_001346900.2); c.89-3189G>C (NM_001346941.2); short protein forms G197R, G189R, G242R.
Identifiers: ClinVar variation 2846811 (VCV002846811.3), dbSNP rs2128933862, ClinGen allele CA367577525.